The following is an entry in ClinVar:

ClinVar aggregate classification (germline): Uncertain significance (1 of 4 stars; one submission).

Allele frequency attached by ClinVar (database versions not stated): gnomAD 0.00003; TOPMed 0.00003; gnomAD exomes 0.00005.
gnomAD v4.1: 71 of 1,614,068 alleles (0.0044%); highest among the groups gnomAD compares: Non-Finnish European, 0.0058%; no homozygotes.

Submission:

Labcorp Genetics (formerly Invitae), Labcorp
Classification: Uncertain significance. Last evaluated: 2025-06-19. Review status: criteria provided, single submitter. Criteria: Invitae Variant Classification Sherloc (09022015). Collection method: clinical testing. Allele origin: germline.
Comment: This sequence change replaces alanine, which is neutral and non-polar, with valine, which is neutral and non-polar, at codon 1125 of the ASXL1 protein (p.Ala1125Val). This variant is present in population databases (no rsID available, gnomAD 0.004%). This variant has not been reported in the literature in individuals affected with ASXL1-related conditions. ClinVar contains an entry for this variant (Variation ID: 2428393). An algorithm developed to predict the effect of missense changes on protein structure and function outputs the following: PolyPhen-2: "Benign". The valine amino acid residue is found in multiple mammalian species, which suggests that this missense change does not adversely affect protein function. In summary, the available evidence is currently insufficient to determine the role of this variant in disease. Therefore, it has been classified as a Variant of Uncertain Significance.

NM_015338.6(ASXL1):c.3374C>T (p.Ala1125Val)

Gene: ASXL1 (ASXL transcriptional regulator 1; plus strand). Cytogenetic location: 20q11.21.
Variant type: single nucleotide variant.
Coding change: c.3374C>T on transcript NM_015338.6 (MANE Select); coding-DNA position 3374, C replaced by T.
Protein change: p.Ala1125Val; replaces alanine 1125 with valine.
Molecular consequence: missense variant.
Genome position (GRCh38, 1-based): chr20:32,436,086, C>T. VCF-style: chr20-32436086-C-T. GRCh37 (hg19) VCF-style: chr20-31023889-C-T.
Other names: c.3191C>T, p.Ala1064Val (NM_001363734.1); short protein forms A1064V, A1125V.
Identifiers: ClinVar variation 2428393 (VCV002428393.6), dbSNP rs1258611317, ClinGen allele CA408562924.